The following is an entry in ClinVar:

ClinVar aggregate classification (germline): Uncertain significance (1 of 4 stars; one submission).

Conditions:
Hereditary sensory neuropathy-deafness-dementia syndrome. Also called: NEUROPATHY, HEREDITARY SENSORY, WITH HEARING LOSS AND DEMENTIA; Hereditary Sensory and Autonomic Neuropathy Type 1E (HSAN1E); Hereditary sensory neuropathy type IE; HSN IE. Identifiers: Orphanet 456318, MedGen C3279885, MONDO:0013584, OMIM 614116.

gnomAD v4.1: 1 of 1,613,958 alleles (0.000062%); highest among the groups gnomAD compares: Non-Finnish European, 0.000085%; no homozygotes.

Submission:

Labcorp Genetics (formerly Invitae), Labcorp
Classification: Uncertain significance for Hereditary sensory neuropathy-deafness-dementia syndrome. Last evaluated: 2021-02-20. Review status: criteria provided, single submitter. Criteria: Invitae Variant Classification Sherloc (09022015). Collection method: clinical testing. Allele origin: germline.
Comment: In summary, the available evidence is currently insufficient to determine the role of this variant in disease. Therefore, it has been classified as a Variant of Uncertain Significance. Algorithms developed to predict the effect of missense changes on protein structure and function are either unavailable or do not agree on the potential impact of this missense change (SIFT: "Deleterious"; PolyPhen-2: "Benign"; Align-GVGD: "Class C0"). This variant has not been reported in the literature in individuals with DNMT1-related conditions. This variant is not present in population databases (ExAC no frequency). This sequence change replaces arginine with glycine at codon 936 of the DNMT1 protein (p.Arg936Gly). The arginine residue is moderately conserved and there is a moderate physicochemical difference between arginine and glycine.

NM_001130823.3(DNMT1):c.2806C>G (p.Arg936Gly)

Gene: DNMT1 (DNA methyltransferase 1; minus strand). Cytogenetic location: 19p13.2.
Variant type: single nucleotide variant.
Coding change: c.2806C>G on transcript NM_001130823.3 (MANE Select); coding-DNA position 2806, C replaced by G.
Protein change: p.Arg936Gly; replaces arginine 936 with glycine.
Molecular consequence: missense variant.
Genome position (GRCh38, 1-based): chr19:10,146,439, G>C on the plus strand (C>G on the coding strand, the complement: DNMT1 is on the minus strand). VCF-style: chr19-10146439-G-C. GRCh37 (hg19) VCF-style: chr19-10257115-G-C.
Other names: c.2758C>G, p.Arg920Gly (NM_001318730.2, NM_001379.4); c.2443C>G, p.Arg815Gly (NM_001318731.2); short protein forms R920G, R936G, R815G.
Identifiers: ClinVar variation 1411187 (VCV001411187.8), dbSNP rs550380640, ClinGen allele CA305225872.